The following is an entry in ClinVar:

NM_021098.3(CACNA1H):c.5786A>G (p.Asn1929Ser)

Gene: CACNA1H (calcium voltage-gated channel subunit alpha1 H; plus strand). Cytogenetic location: 16p13.3.
Variant type: single nucleotide variant.
Coding change: c.5786A>G on transcript NM_021098.3 (MANE Select); coding-DNA position 5786, A replaced by G.
Protein change: p.Asn1929Ser; replaces asparagine 1929 with serine.
Molecular consequence: missense variant.
Genome position (GRCh38, 1-based): chr16:1,218,550, A>G. VCF-style: chr16-1218550-A-G. GRCh37 (hg19) VCF-style: chr16-1268550-A-G.
Other names: c.5768A>G, p.Asn1923Ser (NM_001005407.2); short protein forms N1929S, N1923S.
Identifiers: ClinVar variation 2047301 (VCV002047301.4), dbSNP rs2548728985, ClinGen allele CA394147887.

ClinVar aggregate classification (germline): Uncertain significance (1 of 4 stars; one submission).

Conditions:
Idiopathic generalized epilepsy. Also called: Generalised epilepsy; EIG. Identifiers: MedGen C0270850, MONDO:0005579, OMIM 600669.
Hyperaldosteronism, familial, type IV (HALD4). Also called: FH IV; ALDOSTERONISM, PRIMARY, AND HYPERTENSION. Identifiers: Orphanet 642671, MedGen C4310756, MONDO:0014875, OMIM 617027.

Allele frequency attached by ClinVar (database versions not stated): gnomAD exomes below 0.00001.
gnomAD v4.1: 1 of 1,561,234 alleles (0.000064%); highest among the groups gnomAD compares: Non-Finnish European, 0.000087%; no homozygotes.

Submission:

Labcorp Genetics (formerly Invitae), Labcorp
Classification: Uncertain significance for Idiopathic generalized epilepsy; Hyperaldosteronism, familial, type IV. Last evaluated: 2021-12-18. Review status: criteria provided, single submitter. Criteria: Invitae Variant Classification Sherloc (09022015). Collection method: clinical testing. Allele origin: germline.
Comment: In summary, the available evidence is currently insufficient to determine the role of this variant in disease. Therefore, it has been classified as a Variant of Uncertain Significance. Algorithms developed to predict the effect of sequence changes on RNA splicing suggest that this variant may create or strengthen a splice site. Advanced modeling of protein sequence and biophysical properties (such as structural, functional, and spatial information, amino acid conservation, physicochemical variation, residue mobility, and thermodynamic stability) performed at Invitae indicates that this missense variant is not expected to disrupt CACNA1H protein function. This variant has not been reported in the literature in individuals affected with CACNA1H-related conditions. This variant is not present in population databases (gnomAD no frequency). This sequence change replaces asparagine, which is neutral and polar, with serine, which is neutral and polar, at codon 1929 of the CACNA1H protein (p.Asn1929Ser).